The following is an entry in ClinVar:

NM_001005273.3(CHD3):c.4061A>T (p.Gln1354Leu)

Gene: CHD3 (chromodomain helicase DNA binding protein 3; plus strand). Cytogenetic location: 17p13.1.
Variant type: single nucleotide variant.
Coding change: c.4061A>T on transcript NM_001005273.3 (MANE Select); coding-DNA position 4061, A replaced by T.
Protein change: p.Gln1354Leu; replaces glutamine 1354 with leucine.
Molecular consequence: missense variant.
Genome position (GRCh38, 1-based): chr17:7,904,608, A>T. VCF-style: chr17-7904608-A-T. GRCh37 (hg19) VCF-style: chr17-7807926-A-T.
Other names: c.4238A>T, p.Gln1413Leu (NM_001005271.3); c.4061A>T, p.Gln1354Leu (NM_005852.4); short protein forms Q1354L, Q1413L.
Identifiers: ClinVar variation 2430898 (VCV002430898.1), dbSNP rs2545032808, ClinGen allele CA397944631.

ClinVar aggregate classification (germline): Uncertain significance (1 of 4 stars; one submission).

Submission:

GeneDx
Classification: Uncertain significance. Last evaluated: 2022-08-25. Review status: criteria provided, single submitter. Criteria: GeneDx Variant Classification Process June 2021. Collection method: clinical testing. Allele origin: germline. Affected: yes.
Comment: Not observed at significant frequency in large population cohorts (gnomAD); In silico analysis supports that this missense variant has a deleterious effect on protein structure/function; Has not been previously published as pathogenic or benign to our knowledge